The following is an entry in ClinVar:

ClinVar aggregate classification (germline): Uncertain significance. Review status: criteria provided, multiple submitters, no conflicts (2 of 4 stars). 2 submissions from 2 submitters: Uncertain significance (2). Last evaluated 2025-04-21.

Allele frequency attached by ClinVar (database versions not stated): gnomAD exomes below 0.00001.

Submissions (2):

Labcorp Genetics (formerly Invitae), Labcorp
Classification: Uncertain significance. Last evaluated: 2025-04-21. Review status: criteria provided, single submitter. Criteria: Invitae Variant Classification Sherloc (09022015). Collection method: clinical testing. Allele origin: germline.
Comment: This sequence change replaces aspartic acid, which is acidic and polar, with asparagine, which is neutral and polar, at codon 236 of the PPP2R5D protein (p.Asp236Asn). This variant is present in population databases (no rsID available, gnomAD 0.0009%). This missense change has been observed in individual(s) with neurodevelopmental disorder (PMID: 28191889). ClinVar contains an entry for this variant (Variation ID: 1313675). An algorithm developed to predict the effect of missense changes on protein structure and function (PolyPhen-2) suggests that this variant is likely to be disruptive. In summary, the available evidence is currently insufficient to determine the role of this variant in disease. Therefore, it has been classified as a Variant of Uncertain Significance.

GeneDx
Classification: Uncertain significance. Last evaluated: 2023-08-01. Review status: criteria provided, single submitter. Criteria: GeneDx Variant Classification Process June 2021. Collection method: clinical testing. Allele origin: germline. Affected: yes.
Comment: Identified in a patient with an unspecified neurodevelopmental disorder in published literature, although segregation information was not provided (Stessman et al., 2017); In silico analysis supports that this missense variant has a deleterious effect on protein structure/function; This variant is associated with the following publications: (PMID: 28191889, 33004838)

Literature cited by the submitters: PubMed 28191889 (cited by Labcorp Genetics (formerly Invitae), Labcorp).

NM_006245.4(PPP2R5D):c.706G>A (p.Asp236Asn)

Gene: PPP2R5D (protein phosphatase 2 regulatory subunit B'delta; plus strand). Cytogenetic location: 6p21.1.
Variant type: single nucleotide variant.
Coding change: c.706G>A on transcript NM_006245.4 (MANE Select); coding-DNA position 706, G replaced by A.
Protein change: p.Asp236Asn; replaces aspartic acid 236 with asparagine.
Molecular consequence: missense variant.
Genome position (GRCh38, 1-based): chr6:43,007,486, G>A. VCF-style: chr6-43007486-G-A. GRCh37 (hg19) VCF-style: chr6-42975224-G-A.
Other names: c.253G>A, p.Asp85Asn (NM_001270476.2); c.610G>A, p.Asp204Asn (NM_180976.3); c.388G>A, p.Asp130Asn (NM_180977.3); short protein forms D130N, D204N, D236N, D85N.
Identifiers: ClinVar variation 1313675 (VCV001313675.5), dbSNP rs1252182248, ClinGen allele CA364188148.